The following is an entry in ClinVar:

ClinVar aggregate classification (germline): Pathogenic. Review status: criteria provided, multiple submitters, no conflicts (2 of 4 stars). 2 submissions from 2 submitters: Pathogenic (2). Last evaluated 2024-05-14.

Conditions:
Hereditary factor XI deficiency disease. Also called: PLASMA THROMBOPLASTIN ANTECEDENT DEFICIENCY; PTA DEFICIENCY; ROSENTHAL SYNDROME; Congenital factor XI deficiency. Identifiers: Orphanet 329, MedGen C0015523, MeSH D005173, MONDO:0012897, OMIM 612416.

Submissions (2):

Myriad Genetics, Inc.
Classification: Pathogenic for Hereditary factor XI deficiency disease. Last evaluated: 2024-05-14. Review status: criteria provided, single submitter. Criteria: Myriad Autosomal Dominant, Autosomal Recessive and X-Linked Classification Criteria (2023). Collection method: clinical testing. Allele origin: unknown.
Comment: NM_000128.3(F11):c.717dupT(T240Yfs*19) is expected to be pathogenic in the context of factor XI deficiency. This variant is predicted to lead to an abnormal or absent protein product due to the creation of a premature termination codon in F11, a gene where loss-of-function variants are known to be pathogenic. Please note: this variant was assessed in the context of healthy population screening.

Victorian Clinical Genetics Services, Murdoch Childrens Research Institute
Classification: Pathogenic for Hereditary factor XI deficiency disease. Last evaluated: 2020-06-11. Review status: criteria provided, single submitter. Criteria: ACMG Guidelines, 2015. Collection method: clinical testing. Allele origin: germline.
Comment: Based on the classification scheme VCGS_Germline_v1.1.1, this variant is classified as pathogenic. Following criteria are met: 0102 - Loss-of-function is a known mechanism of disease for this gene (Decipher). (N) 0104 - Dominant Negative is a mechanism of disease for this gene. Missense variants have been reported to cause both loss of function (PMID:25681615) and dominant negative (PMID:15026311) consequence on protein function. (N) 0108 - This gene is known to be associated with both recessive and dominant disease. Dominant negative missense contribute most dominantly-inherited variants (PMID:15026311), however rare symptomatic patients with heterozygous NMD-predicted variants have also been reported (OMIM). (N) 0201 - Variant is predicted to cause nonsense-mediated decay (NMD) and loss of protein. This variant is in exon 7 of 15 of the F11 gene. (P) 0251 - Variant is heterozygous. (N) 0302 - Variant is present in gnomAD <0.001 (1 heterozygote, 0 homozygotes). (P) 0701 - Comparable variants also predicted to result in NMD, have very strong previous evidence for pathogenicity in patients with excessive bleeding (Decipher, OMIM, PMID:25681615). (P) 0803 - Low previous evidence of pathogenicity in a single individual with FXI deficiency and a missense in trans (PMID:18446632). (P) 0905 - No segregation evidence has been identified for this variant in the literature. (N) 1007 - No published functional evidence has been identified for this variant. (N) 1208 – Inheritance information for this variant is not currently available. (N) Legend: (P) - Pathogenic, (N) - Neutral, (B) - Benign

Literature cited by the submitters: PubMed 15026311 (cited by Victorian Clinical Genetics Services, Murdoch Childrens Research Institute); PubMed 18446632 (cited by Victorian Clinical Genetics Services, Murdoch Childrens Research Institute); PubMed 25681615 (cited by Victorian Clinical Genetics Services, Murdoch Childrens Research Institute).

NM_000128.4(F11):c.717dup (p.Thr240fs)

Gene: F11 (coagulation factor XI; plus strand). Cytogenetic location: 4q35.2.
Variant type: Duplication.
Coding change: c.717dup on transcript NM_000128.4 (MANE Select); coding-DNA position 717, one base duplicated (T; older notation c.717dupT).
Protein change: p.Thr240fs; shifts the reading frame from threonine 240.
Molecular consequence: frameshift variant.
Genome position (GRCh38, 1-based): chr4:186,276,352, T duplicated; the last of 6 consecutive T bases (chr4:186,276,347-186,276,352); duplicating any one gives the same sequence. VCF-style (leftmost placement, unchanged base first): chr4-186276346-G-GT. GRCh37 (hg19) VCF-style: chr4-187197500-G-GT.
Other names: c.717dupT (NM_000128.3); short protein forms T240fs.
Identifiers: ClinVar variation 3377453 (VCV003377453.2).